The following is an entry in ClinVar:

ClinVar aggregate classification (germline): Conflicting classifications of pathogenicity. Review status: criteria provided, conflicting classifications (1 of 4 stars). 2 submissions from 2 submitters: Uncertain significance (1); Likely benign (1). Last evaluated 2022-12-02.

Conditions:
Idiopathic generalized epilepsy. Also called: Generalised epilepsy; EIG. Identifiers: MedGen C0270850, MONDO:0005579, OMIM 600669.
Hyperaldosteronism, familial, type IV (HALD4). Also called: FH IV; ALDOSTERONISM, PRIMARY, AND HYPERTENSION. Identifiers: Orphanet 642671, MedGen C4310756, MONDO:0014875, OMIM 617027.

Allele frequency attached by ClinVar (database versions not stated): TOPMed below 0.00001; gnomAD exomes 0.00001.
gnomAD v4.1: 10 of 1,612,150 alleles (0.00062%); highest among the groups gnomAD compares: Non-Finnish European, 0.00085%; no homozygotes.

Submissions (2):

Labcorp Genetics (formerly Invitae), Labcorp
Classification: Likely benign for Idiopathic generalized epilepsy; Hyperaldosteronism, familial, type IV. Last evaluated: 2022-12-02. Review status: criteria provided, single submitter. Criteria: Invitae Variant Classification Sherloc (09022015). Collection method: clinical testing. Allele origin: germline.

GeneDx
Classification: Uncertain significance. Last evaluated: 2019-08-16. Review status: criteria provided, single submitter. Criteria: GeneDx Variant Classification Process June 2021. Collection method: clinical testing. Allele origin: germline. Affected: yes.
Comment: Not observed at a significant frequency in large population cohorts (Lek et al., 2016); In silico analysis, which includes protein predictors and evolutionary conservation, supports a deleterious effect; Has not been previously published as pathogenic or benign to our knowledge

NM_021098.3(CACNA1H):c.1025A>G (p.Gln342Arg)

Gene: CACNA1H (calcium voltage-gated channel subunit alpha1 H; plus strand). Cytogenetic location: 16p13.3.
Variant type: single nucleotide variant.
Coding change: c.1025A>G on transcript NM_021098.3 (MANE Select); coding-DNA position 1025, A replaced by G.
Protein change: p.Gln342Arg; replaces glutamine 342 with arginine.
Molecular consequence: missense variant.
Genome position (GRCh38, 1-based): chr16:1,200,477, A>G. VCF-style: chr16-1200477-A-G. GRCh37 (hg19) VCF-style: chr16-1250477-A-G.
Other names: c.1025A>G, p.Gln342Arg (NM_001005407.2); short protein forms Q342R.
Identifiers: ClinVar variation 1318837 (VCV001318837.7), dbSNP rs1171167857, ClinGen allele CA394157697.